The following is an entry in ClinVar:

ClinVar aggregate classification (germline): Uncertain significance (1 of 4 stars; one submission).

Conditions:
Primary ciliary dyskinesia. Also called: Ciliary dyskinesia. Identifiers: Orphanet 244, MedGen C0008780, MONDO:0016575, HP:0012265.

Submission:

Labcorp Genetics (formerly Invitae), Labcorp
Classification: Uncertain significance for Primary ciliary dyskinesia. Last evaluated: 2025-11-04. Review status: criteria provided, single submitter. Criteria: Invitae Variant Classification Sherloc (09022015). Collection method: clinical testing. Allele origin: germline.
Comment: This sequence change replaces serine, which is neutral and polar, with tyrosine, which is neutral and polar, at codon 811 of the RPGR protein (p.Ser811Tyr). This variant is not present in population databases (gnomAD no frequency). This variant has not been reported in the literature in individuals affected with RPGR-related conditions. Invitae Evidence Modeling of protein sequence and biophysical properties (such as structural, functional, and spatial information, amino acid conservation, physicochemical variation, residue mobility, and thermodynamic stability) indicates that this missense variant is not expected to disrupt RPGR protein function with a negative predictive value of 95%. In summary, the available evidence is currently insufficient to determine the role of this variant in disease. Therefore, it has been classified as a Variant of Uncertain Significance.

NC_000023.11:g.38269642G>T

Gene: RPGR (retinitis pigmentosa GTPase regulator; minus strand). Cytogenetic location: Xp11.4.
Variant type: single nucleotide variant.
Molecular consequence: missense variant (on NM_000328.3). On other transcripts: non-coding transcript variant (6).
Genome position: GRCh38 VCF-style: chrX-38269642-G-T. GRCh37 (hg19) VCF-style: chrX-38128895-G-T.
Other names: c.2432C>A, p.Ser811Tyr (NM_000328.3); c.2429C>A, p.Ser810Tyr (NM_001367245.1); c.2246C>A, p.Ser749Tyr (NM_001367246.1); c.2099C>A, p.Ser700Tyr (NM_001367247.1); c.2129C>A, p.Ser710Tyr (NM_001367248.1); c.2096C>A, p.Ser699Tyr (NM_001367249.1, NM_001367250.1); c.1913C>A, p.Ser638Tyr (NM_001367251.1); short protein forms S638Y, S699Y, S700Y, S710Y, S749Y, S810Y, S811Y.
Identifiers: ClinVar variation 4800997 (VCV004800997.1).
Genomic context (GRCh38, chrX:38,269,642, plus strand): 5'-TACATTACAATACACTTGGTGACTGTGAAAACATAAATATATATTTATAGTATTGTACAG[G>T]ATTTTGATCTTCTCTCTGTATTTGTTGGTGGGATATTCTGATGATTCTGACTCATGTGGT-3'